The following is an entry in ClinVar:

NM_032834.4(ALG10):c.1366C>T (p.Leu456=)

Gene: ALG10 (ALG10 alpha-1,2-glucosyltransferase; plus strand). Cytogenetic location: 12p11.1.
Variant type: single nucleotide variant.
Coding change: c.1366C>T on transcript NM_032834.4 (MANE Select); coding-DNA position 1366, C replaced by T.
Protein change: p.Leu456=; no amino-acid change (leucine 456 retained).
Molecular consequence: synonymous variant.
Genome position (GRCh38, 1-based): chr12:34,026,859, C>T. VCF-style: chr12-34026859-C-T. GRCh37 (hg19) VCF-style: chr12-34179794-C-T.
Identifiers: ClinVar variation 3040080 (VCV003040080.2), dbSNP rs1377334596, ClinGen allele CA479228652.

ClinVar aggregate classification (germline): Likely benign (0 of 4 stars; one submission).

Conditions:
ALG10-related disorder. Also called: ALG10-related condition.

Allele frequency attached by ClinVar (database versions not stated): gnomAD 0.00001; TOPMed 0.00001; gnomAD exomes 0.00008.
gnomAD v4.1: 111 of 1,613,532 alleles (0.0069%); highest among the groups gnomAD compares: Non-Finnish European, 0.0094%; no homozygotes.

Submission:

PreventionGenetics, part of Exact Sciences
Classification: Likely benign for ALG10-related condition. Last evaluated: 2019-09-17. Review status: no assertion criteria provided. Collection method: clinical testing. Allele origin: germline.
Comment: This variant is classified as likely benign based on ACMG/AMP sequence variant interpretation guidelines (Richards et al. 2015 PMID: 25741868, with internal and published modifications).